The following is an entry in ClinVar:

ClinVar aggregate classification (germline): Uncertain significance (1 of 4 stars; one submission).

Submission:

GeneDx
Classification: Uncertain significance. Last evaluated: 2025-06-19. Review status: criteria provided, single submitter. Criteria: GeneDx Variant Classification Process June 2021. Collection method: clinical testing. Allele origin: germline. Affected: yes.
Comment: Not observed at significant frequency in large population cohorts (gnomAD); In-frame deletion of 1 amino acid in a non-repeat region; In silico analysis supports a deleterious effect on protein structure/function; Has not been previously published as pathogenic or benign to our knowledge

NM_004818.3(DDX23):c.259AAG[1] (p.Lys88del)

Gene: DDX23 (DEAD-box helicase 23; minus strand). Cytogenetic location: 12q13.12.
Variant type: Microsatellite.
Coding change: c.259AAG[1] on transcript NM_004818.3 (MANE Select); one copy of the 3-base unit AAG starting at c.259; the reference has two copies in a row; one copy, 3 bases deleted.
Protein change: p.Lys88del; deletes lysine 88.
Genome position (GRCh38, 1-based): chr12:48,843,996-48,843,998, CTT deleted on the plus strand (AAG on the coding strand, the reverse complement: DDX23 is on the minus strand); deleting any 3 consecutive bases within chr12:48,843,996-48,844,001 gives the same sequence; the position shown is the placement nearest the transcript's 3' end. VCF-style (leftmost placement, unchanged base first): chr12-48843995-CCTT-C. GRCh37 (hg19) VCF-style: chr12-49237778-CCTT-C.
Other names: short protein forms K88del.
Identifiers: ClinVar variation 4538838 (VCV004538838.1).